The following is an entry in ClinVar:

ClinVar aggregate classification (germline): Uncertain significance. Review status: criteria provided, multiple submitters, no conflicts (2 of 4 stars). 2 submissions from 2 submitters: Uncertain significance (2). Last evaluated 2025-06-12.

Conditions:
Inborn genetic diseases. Identifiers: MedGen C0950123, MeSH D030342.
Schimke immuno-osseous dysplasia (SIOD). Also called: Schimke Immunoosseous Dysplasia. Identifiers: Orphanet 1830, MedGen C0877024, MONDO:0009458, OMIM 242900.

Allele frequency attached by ClinVar (database versions not stated): gnomAD exomes below 0.00001; gnomAD 0.00003; TOPMed 0.00003.
gnomAD v4.1: 5 of 1,614,074 alleles (0.00031%); highest among the groups gnomAD compares: African/African-American, 0.0067%; no homozygotes.

Submissions (2):

Labcorp Genetics (formerly Invitae), Labcorp
Classification: Uncertain significance for Schimke immuno-osseous dysplasia. Last evaluated: 2025-06-12. Review status: criteria provided, single submitter. Criteria: Invitae Variant Classification Sherloc (09022015). Collection method: clinical testing. Allele origin: germline.
Comment: This sequence change replaces alanine, which is neutral and non-polar, with valine, which is neutral and non-polar, at codon 30 of the SMARCAL1 protein (p.Ala30Val). This variant is present in population databases (no rsID available, gnomAD 0.02%). This variant has not been reported in the literature in individuals affected with SMARCAL1-related conditions. ClinVar contains an entry for this variant (Variation ID: 1981264). Invitae Evidence Modeling of protein sequence and biophysical properties (such as structural, functional, and spatial information, amino acid conservation, physicochemical variation, residue mobility, and thermodynamic stability) indicates that this missense variant is not expected to disrupt SMARCAL1 protein function with a negative predictive value of 95%. In summary, the available evidence is currently insufficient to determine the role of this variant in disease. Therefore, it has been classified as a Variant of Uncertain Significance.

Ambry Genetics
Classification: Uncertain significance for Inborn genetic diseases. Last evaluated: 2024-12-02. Review status: criteria provided, single submitter. Criteria: Ambry Variant Classification Scheme 2023. Collection method: clinical testing. Allele origin: germline.

NM_014140.4(SMARCAL1):c.89C>T (p.Ala30Val)

Gene: SMARCAL1 (SNF2 related chromatin remodeling annealing helicase 1; plus strand). Cytogenetic location: 2q35.
Variant type: single nucleotide variant.
Coding change: c.89C>T on transcript NM_014140.4 (MANE Select); coding-DNA position 89, C replaced by T.
Protein change: p.Ala30Val; replaces alanine 30 with valine.
Molecular consequence: missense variant.
Genome position (GRCh38, 1-based): chr2:216,414,793, C>T. VCF-style: chr2-216414793-C-T. GRCh37 (hg19) VCF-style: chr2-217279516-C-T.
Other names: c.89C>T, p.Ala30Val (NM_001127207.2); short protein forms A30V.
Identifiers: ClinVar variation 1981264 (VCV001981264.5), dbSNP rs1421489011, ClinGen allele CA350496421.
Genomic context (GRCh38, chr2:216,414,793, plus strand): 5'-GGAAAAAGATTGAAGAGAATCGACAAAAGGCTCTGGCCCGCAGAGCTGAGAAGTTATTGG[C>T]AGAACAGCATCAGAGGACTAGCTCGGGCACCTCCATTGCTGGCAACCCATTCCAGGCCAA-3'
Protein context (NP_054859.2, residues 20-40): ALARRAEKLL[Ala30Val]EQHQRTSSGT